The following is an entry in ClinVar:

ClinVar aggregate classification (germline): Uncertain significance (1 of 4 stars; one submission).

Allele frequency attached by ClinVar (database versions not stated): gnomAD exomes below 0.00001 and 0.00001; gnomAD 0.00001; TOPMed 0.00001.

Submission:

GeneDx
Classification: Uncertain significance. Last evaluated: 2024-10-03. Review status: criteria provided, single submitter. Criteria: GeneDx Variant Classification Process June 2021. Collection method: clinical testing. Allele origin: germline. Affected: yes.
Comment: In silico analysis supports that this missense variant has a deleterious effect on protein structure/function; Has not been previously published as pathogenic or benign to our knowledge

NM_001372044.2(SHANK3):c.1793A>G (p.Asp598Gly)

Gene: SHANK3 (SH3 and multiple ankyrin repeat domains 3; plus strand). Cytogenetic location: 22q13.33.
Variant type: single nucleotide variant.
Coding change: c.1793A>G on transcript NM_001372044.2 (MANE Select); coding-DNA position 1793, A replaced by G.
Protein change: p.Asp598Gly; replaces aspartic acid 598 with glycine.
Molecular consequence: missense variant.
Genome position (GRCh38, 1-based): chr22:50,698,759, A>G. VCF-style: chr22-50698759-A-G. GRCh37 (hg19) VCF-style: chr22-51137187-A-G.
Other names: c.1568A>G (NM_033517.1); short protein forms D598G.
Identifiers: ClinVar variation 1309113 (VCV001309113.3), dbSNP rs1456892761, ClinGen allele CA515255477.